The following is an entry in ClinVar:

ClinVar aggregate classification (germline): Uncertain significance. Review status: criteria provided, multiple submitters, no conflicts (2 of 4 stars). 3 submissions from 3 submitters: Uncertain significance (3). Last evaluated 2023-11-13.

Conditions:
Inborn genetic diseases. Identifiers: MedGen C0950123, MeSH D030342.
Lafora disease. Also called: Epilepsy progressive myoclonic 2. Identifiers: Orphanet 501, MedGen C0751783, MONDO:0009697.

Allele frequency attached by ClinVar (database versions not stated): gnomAD 0.00001; gnomAD exomes 0.00002; TOPMed 0.00002.

Submissions (3):

Ambry Genetics
Classification: Uncertain significance for Inborn genetic diseases. Last evaluated: 2023-11-13. Review status: criteria provided, single submitter. Criteria: Ambry Variant Classification Scheme 2023. Collection method: clinical testing. Allele origin: germline.

Labcorp Genetics (formerly Invitae), Labcorp
Classification: Uncertain significance for Lafora disease. Last evaluated: 2022-07-06. Review status: criteria provided, single submitter. Criteria: Invitae Variant Classification Sherloc (09022015). Collection method: clinical testing. Allele origin: germline.
Comment: This sequence change replaces threonine, which is neutral and polar, with asparagine, which is neutral and polar, at codon 125 of the NHLRC1 protein (p.Thr125Asn). This variant is not present in population databases (gnomAD no frequency). This variant has not been reported in the literature in individuals affected with NHLRC1-related conditions. ClinVar contains an entry for this variant (Variation ID: 426938). Algorithms developed to predict the effect of missense changes on protein structure and function are either unavailable or do not agree on the potential impact of this missense change (SIFT: "Tolerated"; PolyPhen-2: "Probably Damaging"; Align-GVGD: "Class C0"). In summary, the available evidence is currently insufficient to determine the role of this variant in disease. Therefore, it has been classified as a Variant of Uncertain Significance.

GeneDx
Classification: Uncertain significance. Last evaluated: 2017-03-24. Review status: criteria provided, single submitter. Criteria: GeneDx Variant Classification (06012015). Collection method: clinical testing. Allele origin: germline. Affected: yes.
Comment: A variant of uncertain significance has been identified in the NHLRC1 gene. The T125N variant has not been published as a pathogenic variant, nor has it been reported as a benign variant to our knowledge. The T125N variant is not observed in large population cohorts (Lek et al., 2016; 1000 Genomes Consortium et al., 2015; Exome Variant Server). The T125N variant is a conservative amino acid substitution, which is not likely to impact secondary protein structure as these residues share similar properties. This substitution occurs at a position where amino acids with similar properties to Threonine are tolerated across species. However, missense variants in nearby residues (G121S, L126P, P129H) have been reported in the Human Gene Mutation Database in association with NHLRC1-related disorders (Stenson et al., 2014), supporting the functional importance of this region of the protein. In silico analysis is inconsistent in its predictions as to whether or not the variant is damaging to the protein structure/function. Therefore, based on the currently available information, it is unclear whether this variant is a pathogenic variant or a rare benign variant.

NM_198586.3(NHLRC1):c.374C>A (p.Thr125Asn)

Gene: NHLRC1 (NHL repeat containing E3 ubiquitin protein ligase 1; minus strand). Cytogenetic location: 6p22.3.
Variant type: single nucleotide variant.
Coding change: c.374C>A on transcript NM_198586.3 (MANE Select); coding-DNA position 374, C replaced by A.
Protein change: p.Thr125Asn; replaces threonine 125 with asparagine.
Molecular consequence: missense variant.
Genome position (GRCh38, 1-based): chr6:18,122,233, G>T on the plus strand (C>A on the coding strand, the complement: NHLRC1 is on the minus strand). VCF-style: chr6-18122233-G-T. GRCh37 (hg19) VCF-style: chr6-18122464-G-T.
Other names: short protein forms T125N.
Identifiers: ClinVar variation 426938 (VCV000426938.10), dbSNP rs1085307861, ClinGen allele CA362828624.
Genomic context (GRCh38, chr6:18,122,233, plus strand): 5'-TGCACCACCACGACACGCCCCGTCTTGGGACAAAGCGCCAGTCCGGTGGGGTTGACCAGG[G>T]TCCCCCAGCCGCCGAAGGTGTGGTGGCAGGTGAGGGCTCCGGGGGCGCTGGGGGCGGCGC-3'
Protein context (NP_940988.2, residues 115-135): TCHHTFGGWG[Thr125Asn]LVNPTGLALC